The following is an entry in ClinVar:

ClinVar aggregate classification (germline): Pathogenic (1 of 4 stars; one submission).

Submission:

Labcorp Genetics (formerly Invitae), Labcorp
Classification: Pathogenic. Last evaluated: 2023-10-17. Review status: criteria provided, single submitter. Criteria: Invitae Variant Classification Sherloc (09022015). Collection method: clinical testing. Allele origin: germline.
Comment: A gross deletion of the genomic region encompassing the full coding sequence of the ALPK3 gene has been identified. Loss-of-function variants in ALPK3 are known to be pathogenic (PMID: 21441111, 26846950, 27106955, 34263907). The boundaries of this event are unknown as they extend beyond the assayed region for this gene and therefore may encompass additional genes. This variant has not been reported in the literature in individuals affected with ALPK3-related conditions. For these reasons, this variant has been classified as Pathogenic.

Literature cited by the submitters: PubMed 21441111; PubMed 26846950; PubMed 27106955; PubMed 34263907.

NC_000015.9:g.(?_85360078)_(85411687_?)del

Gene: ALPK3 (alpha kinase 3; plus strand). Cytogenetic location: 15q25.3.
Variant type: Deletion.
Identifiers: ClinVar variation 2426592 (VCV002426592.4).